The following is an entry in ClinVar:

NM_001261826.3(AP3D1):c.857-3C>T

Gene: AP3D1 (adaptor related protein complex 3 subunit delta 1; minus strand). Cytogenetic location: 19p13.3.
Variant type: single nucleotide variant.
Coding change: c.857-3C>T on transcript NM_001261826.3 (MANE Select); 3 bases into the intron before coding-DNA position 857, C replaced by T.
Molecular consequence: intron variant.
Genome position (GRCh38, 1-based): chr19:2,123,882, G>A on the plus strand (C>T on the coding strand, the complement: AP3D1 is on the minus strand). VCF-style: chr19-2123882-G-A. GRCh37 (hg19) VCF-style: chr19-2123881-G-A.
Other names: p.?; c.857-3C>T (NM_003938.8, NM_001374799.1).
Identifiers: ClinVar variation 733032 (VCV000733032.38), dbSNP rs202003533, ClinGen allele CA9059521.

ClinVar aggregate classification (germline): Benign. Review status: criteria provided, multiple submitters, no conflicts (2 of 4 stars). 6 submissions from 6 submitters: Benign (3). 3 of the submissions do not count toward it. Last evaluated 2026-02-02.

Conditions:
AP3D1-related disorder. Also called: AP3D1-related condition.

Allele frequency attached by ClinVar (database versions not stated): gnomAD 0.00407 and 0.00437; TOPMed 0.00469; 1000 Genomes Project 0.00499; 1000 Genomes Project 30x 0.00578; gnomAD exomes 0.00045 and 0.00119; ExAC 0.00237; ESP Exome Variant Server 0.00386.
gnomAD v4.1: 1,300 of 1,573,530 alleles (0.083%); highest among the groups gnomAD compares: African/African-American, 1.3%; 13 homozygotes.

Submissions (6):

Labcorp Genetics (formerly Invitae), Labcorp
Classification: Benign. Last evaluated: 2026-02-02. Review status: criteria provided, single submitter. Criteria: Invitae Variant Classification Sherloc (09022015). Collection method: clinical testing. Allele origin: germline.

Mayo Clinic Laboratories, Mayo Clinic
Classification: Benign. Last evaluated: 2025-03-17. Review status: criteria provided, single submitter. Criteria: ACMG Guidelines, 2015. Collection method: clinical testing. Allele origin: germline. Observed: 3 variant alleles.
Comment: BS1, BS2, BP4, BP7

CeGaT Center for Human Genetics Tuebingen
Classification: Benign. Last evaluated: 2023-02-01. Review status: criteria provided, single submitter. Criteria: CeGaT Center For Human Genetics Tuebingen Variant Classification Criteria Version 2. Collection method: clinical testing. Allele origin: germline. Affected: yes. Observed: 1 variant allele.
Comment: AP3D1: BP4, BS1, BS2

PreventionGenetics, part of Exact Sciences
Classification: Likely benign for AP3D1-related condition. Last evaluated: 2019-12-24. Review status: no assertion criteria provided. Collection method: clinical testing. Allele origin: germline. Not counted in ClinVar's aggregate classification.
Comment: This variant is classified as likely benign based on ACMG/AMP sequence variant interpretation guidelines (Richards et al. 2015 PMID: 25741868, with internal and published modifications).

Clinical Genetics DNA and cytogenetics Diagnostics Lab, Erasmus MC, Erasmus Medical Center
Classification: Benign. Review status: no assertion criteria provided. Collection method: clinical testing. Allele origin: germline. Affected: yes. Study: VKGL Data-share Consensus. Not counted in ClinVar's aggregate classification.

Clinical Genetics, Academic Medical Center
Classification: Benign. Review status: no assertion criteria provided. Collection method: clinical testing. Allele origin: germline. Affected: yes. Study: VKGL Data-share Consensus. Not counted in ClinVar's aggregate classification.